The following is an entry in ClinVar:

NM_022167.4(XYLT2):c.436A>T (p.Ser146Cys)

Gene: XYLT2 (xylosyltransferase 2; plus strand). Cytogenetic location: 17q21.33.
Variant type: single nucleotide variant.
Coding change: c.436A>T on transcript NM_022167.4 (MANE Select); coding-DNA position 436, A replaced by T.
Protein change: p.Ser146Cys; replaces serine 146 with cysteine.
Molecular consequence: missense variant.
Genome position (GRCh38, 1-based): chr17:50,353,930, A>T. VCF-style: chr17-50353930-A-T. GRCh37 (hg19) VCF-style: chr17-48431291-A-T.
Other names: short protein forms S146C.
Identifiers: ClinVar variation 2120549 (VCV002120549.4), dbSNP rs2543946047, ClinGen allele CA400196415.
Genomic context (GRCh38, chr17:50,353,930, plus strand): 5'-GCAGCAGCTGGGGAGGCGCTGGTAGGGGCAGCTGGCTTCCCACCACACGGAGATACAGGG[A>T]GCGTGGAGGGCGCCCCCCAGCCCACGGACAATGGCTTCACCCCCAAGTGCGAGATCGTGG-3'
Protein context (NP_071450.2, residues 136-156): AGFPPHGDTG[Ser146Cys]VEGAPQPTDN

ClinVar aggregate classification (germline): Uncertain significance (1 of 4 stars; one submission).

Submission:

Labcorp Genetics (formerly Invitae), Labcorp
Classification: Uncertain significance. Last evaluated: 2022-11-08. Review status: criteria provided, single submitter. Criteria: Invitae Variant Classification Sherloc (09022015). Collection method: clinical testing. Allele origin: germline.
Comment: In summary, the available evidence is currently insufficient to determine the role of this variant in disease. Therefore, it has been classified as a Variant of Uncertain Significance. Algorithms developed to predict the effect of missense changes on protein structure and function are either unavailable or do not agree on the potential impact of this missense change (SIFT: "Deleterious"; PolyPhen-2: "Probably Damaging"; Align-GVGD: "Class C0"). This variant has not been reported in the literature in individuals affected with XYLT2-related conditions. This variant is not present in population databases (gnomAD no frequency). This sequence change replaces serine, which is neutral and polar, with cysteine, which is neutral and slightly polar, at codon 146 of the XYLT2 protein (p.Ser146Cys).